The following is an entry in ClinVar:

ClinVar aggregate classification (germline): Pathogenic (1 of 4 stars; one submission).

Conditions:
Cerebral cavernous malformation (CCM). Also called: CAVERNOUS ANGIOMATOUS MALFORMATIONS; CEREBRAL CAPILLARY MALFORMATIONS; Cerebral cavernous malformations; Cerebral cavernous hemangioma (type); CAVERNOUS ANGIOMA, FAMILIAL; Cavernous Hemangioma of Brain. Identifiers: Orphanet 221061, MedGen C2919945, MONDO:0000820, OMIM 116860, HP:0033522.

Submission:

Labcorp Genetics (formerly Invitae), Labcorp
Classification: Pathogenic for Cerebral cavernous malformation. Last evaluated: 2021-03-26. Review status: criteria provided, single submitter. Criteria: Invitae Variant Classification Sherloc (09022015). Collection method: clinical testing. Allele origin: germline.
Comment: For these reasons, this variant has been classified as Pathogenic. Loss-of-function variants in KRIT1 are known to be pathogenic (PMID: 10508515, 11222804, 12404106, 24689081). This variant has not been reported in the literature in individuals with KRIT1-related conditions. This variant is not present in population databases (ExAC no frequency). This sequence change creates a premature translational stop signal (p.His620Profs*41) in the KRIT1 gene. It is expected to result in an absent or disrupted protein product.

Literature cited by the submitters: PubMed 10508515; PubMed 11222804; PubMed 12404106; PubMed 24689081.

NM_194454.3(KRIT1):c.1859del (p.His620fs)

Gene: KRIT1 (KRIT1 ankyrin repeat containing; minus strand). Cytogenetic location: 7q21.2.
Variant type: Deletion.
Coding change: c.1859del on transcript NM_194454.3 (MANE Select); coding-DNA position 1859, one base deleted (A; older notation c.1859delA).
Protein change: p.His620fs; shifts the reading frame from histidine 620.
Molecular consequence: frameshift variant.
Genome position (GRCh38, 1-based): chr7:92,213,361, T deleted on the plus strand (A on the coding strand, the reverse complement: KRIT1 is on the minus strand). VCF-style (leftmost placement, unchanged base first): chr7-92213360-GT-G. GRCh37 (hg19) VCF-style: chr7-91842674-GT-G.
Other names: c.1715del, p.His572fs (NM_001013406.2, NM_001350669.1, NM_001350670.1); c.1145del, p.His382fs (NM_001350671.1); c.1859del, p.His620fs (NM_001350672.1, NM_001350673.1, NM_001350674.1 and 26 more transcripts); short protein forms H620fs, H572fs, H382fs.
Identifiers: ClinVar variation 1453864 (VCV001453864.6), dbSNP rs2131309299, ClinGen allele CA2573142408.